The following is an entry in ClinVar:

ClinVar aggregate classification (germline): Likely benign (1 of 4 stars; one submission).

Allele frequency attached by ClinVar (database versions not stated): 1000 Genomes Project 0.00060; 1000 Genomes Project 30x 0.00094; TOPMed 0.00447; ExAC 0.00457; gnomAD 0.00548; ESP Exome Variant Server 0.00552; gnomAD exomes 0.00677.
gnomAD v4.1: 10,590 of 1,612,680 alleles (0.66%); highest among the groups gnomAD compares: Non-Finnish European, 0.8%; 83 homozygotes.

Submission:

CeGaT Center for Human Genetics Tuebingen
Classification: Likely benign. Last evaluated: 2023-04-01. Review status: criteria provided, single submitter. Criteria: CeGaT Center For Human Genetics Tuebingen Variant Classification Criteria Version 2. Collection method: clinical testing. Allele origin: germline. Affected: yes. Observed: 7 variant alleles.
Comment: AHNAK2: BP4, BP7, BS2

NM_138420.4(AHNAK2):c.3321G>A (p.Lys1107=)

Gene: AHNAK2 (AHNAK nucleoprotein 2; minus strand). Cytogenetic location: 14q32.33.
Variant type: single nucleotide variant.
Coding change: c.3321G>A on transcript NM_138420.4 (MANE Select); coding-DNA position 3321, G replaced by A.
Protein change: p.Lys1107=; no amino-acid change (lysine 1107 retained).
Molecular consequence: synonymous variant.
Genome position (GRCh38, 1-based): chr14:104,952,130, C>T on the plus strand (G>A on the coding strand, the complement: AHNAK2 is on the minus strand). VCF-style: chr14-104952130-C-T. GRCh37 (hg19) VCF-style: chr14-105418467-C-T.
Other names: c.3021G>A, p.Lys1007= (NM_001350929.2).
Identifiers: ClinVar variation 2644857 (VCV002644857.24), dbSNP rs185981830, ClinGen allele CA7383119.